The following is an entry in ClinVar:

NM_173546.3(KLHDC8B):c.916C>T (p.Arg306Trp)

Gene: KLHDC8B (kelch domain containing 8B; plus strand). Cytogenetic location: 3p21.31.
Variant type: single nucleotide variant.
Coding change: c.916C>T on transcript NM_173546.3 (MANE Select); coding-DNA position 916, C replaced by T.
Protein change: p.Arg306Trp; replaces arginine 306 with tryptophan.
Molecular consequence: missense variant.
Genome position (GRCh38, 1-based): chr3:49,175,652, C>T. VCF-style: chr3-49175652-C-T. GRCh37 (hg19) VCF-style: chr3-49213085-C-T.
Other names: short protein forms R306W.
Identifiers: ClinVar variation 2716472 (VCV002716472.3), dbSNP rs749203464, ClinGen allele CA2395626.

ClinVar aggregate classification (germline): Uncertain significance (1 of 4 stars; one submission).

Allele frequency attached by ClinVar (database versions not stated): ExAC 0.00003; gnomAD exomes 0.00006; gnomAD 0.00009; TOPMed 0.00009.
gnomAD v4.1: 100 of 1,604,168 alleles (0.0062%); highest among the groups gnomAD compares: Admixed American, 0.0084%; no homozygotes.

Submission:

Labcorp Genetics (formerly Invitae), Labcorp
Classification: Uncertain significance. Last evaluated: 2025-12-27. Review status: criteria provided, single submitter. Criteria: Invitae Variant Classification Sherloc (09022015). Collection method: clinical testing. Allele origin: germline.
Comment: This sequence change replaces arginine, which is basic and polar, with tryptophan, which is neutral and slightly polar, at codon 306 of the KLHDC8B protein (p.Arg306Trp). This variant is present in population databases (rs749203464, gnomAD 0.009%). This variant has not been reported in the literature in individuals affected with KLHDC8B-related conditions. ClinVar contains an entry for this variant (Variation ID: 2716472). An algorithm developed to predict the effect of missense changes on protein structure and function (PolyPhen-2) suggests that this variant is likely to be disruptive. In summary, the available evidence is currently insufficient to determine the role of this variant in disease. Therefore, it has been classified as a Variant of Uncertain Significance.